The following is an entry in ClinVar:

ClinVar aggregate classification (germline): Uncertain significance (1 of 4 stars; one submission).

Conditions:
VPS13A-related neurodegenerative disease. Also called: VPS13A Disease; Choreaacanthocytosis; Choreoacanthocytosis; Chorea-acanthocytosis; ACANTHOCYTOSIS WITH NEUROLOGIC DISORDER; LEVINE-CRITCHLEY SYNDROME. Identifiers: Orphanet 2388, MedGen C0393576, MONDO:0008695, OMIM 200150.

Submission:

Myriad Genetics, Inc.
Classification: Uncertain significance for VPS13A-related neurodegenerative disease. Last evaluated: 2026-06-11. Review status: criteria provided, single submitter. Criteria: Myriad Autosomal Dominant, Autosomal Recessive and X-Linked Classification Criteria (2023). Collection method: clinical testing. Allele origin: unknown.
Comment: NM_033305.2(VPS13A):c.2444_2446delCTT(S815del) is an in-frame deletion classified as a variant of uncertain significance in the context of VPS13A disease. S815del has not been observed in cases with relevant disease. Relevant functional assessments of this variant are not available in the literature. S815del has not been observed in referenced population frequency databases. In summary, there is insufficient evidence to classify NM_033305.2(VPS13A):c.2444_2446delCTT(S815del) as pathogenic or benign. Please note: this variant was assessed in the context of healthy population screening.

NM_033305.3(VPS13A):c.2441CTT[1] (p.Ser815del)

Gene: VPS13A (vacuolar protein sorting 13 homolog A; plus strand). Cytogenetic location: 9q21.2.
Variant type: Microsatellite.
Coding change: c.2441CTT[1] on transcript NM_033305.3 (MANE Select); one copy of the 3-base unit CTT starting at c.2441; the reference has two copies in a row; one copy, 3 bases deleted.
Protein change: p.Ser815del; deletes serine 815.
Molecular consequence: inframe deletion.
Genome position (GRCh38, 1-based): chr9:77,273,296-77,273,298, CTT deleted; deleting any 3 consecutive bases within chr9:77,273,293-77,273,298 gives the same sequence; the position shown is the placement nearest the transcript's 3' end. VCF-style (leftmost placement, unchanged base first): chr9-77273292-ACTT-A. GRCh37 (hg19) VCF-style: chr9-79888208-ACTT-A.
Other names: c.2441CTT[1], p.Ser815del (NM_001018037.2, NM_001018038.3, NM_015186.4); short protein forms S815del.
Identifiers: ClinVar variation 5003784 (VCV005003784.1).